The following is an entry in ClinVar:

ClinVar aggregate classification (germline): Uncertain significance (1 of 4 stars; one submission).

Submission:

Labcorp Genetics (formerly Invitae), Labcorp
Classification: Uncertain significance. Last evaluated: 2022-01-17. Review status: criteria provided, single submitter. Criteria: Invitae Variant Classification Sherloc (09022015). Collection method: clinical testing. Allele origin: germline.
Comment: In summary, the available evidence is currently insufficient to determine the role of this variant in disease. Therefore, it has been classified as a Variant of Uncertain Significance. Algorithms developed to predict the effect of missense changes on protein structure and function (SIFT, PolyPhen-2, Align-GVGD) all suggest that this variant is likely to be tolerated. This variant has not been reported in the literature in individuals affected with LAMA5-related conditions. This variant is not present in population databases (gnomAD no frequency). This sequence change replaces proline, which is neutral and non-polar, with leucine, which is neutral and non-polar, at codon 3322 of the LAMA5 protein (p.Pro3322Leu).

NM_005560.6(LAMA5):c.9965C>T (p.Pro3322Leu)

Gene: LAMA5 (laminin subunit alpha 5; minus strand). Cytogenetic location: 20q13.33.
Variant type: single nucleotide variant.
Coding change: c.9965C>T on transcript NM_005560.6 (MANE Select); coding-DNA position 9965, C replaced by T.
Protein change: p.Pro3322Leu; replaces proline 3322 with leucine.
Molecular consequence: missense variant.
Genome position (GRCh38, 1-based): chr20:62,311,285, G>A on the plus strand (C>T on the coding strand, the complement: LAMA5 is on the minus strand). VCF-style: chr20-62311285-G-A. GRCh37 (hg19) VCF-style: chr20-60886341-G-A.
Other names: short protein forms P3322L.
Identifiers: ClinVar variation 1449182 (VCV001449182.6), dbSNP rs2146035224, ClinGen allele CA409538627.
Genomic context (GRCh38, chr20:62,311,285, plus strand): 5'-TGGTAGGAGTCTCGGGTGGTCCTGAGGTGTGGGGGCAGCATGCAGGCAGGATGCCGGGCG[G>A]GCTGACGGCTGCGGCGGGAGGCCTGGGGGCGTGGATGGTGAATGCAGGGGCCGCCCACAC-3'
Protein context (NP_005551.3, residues 3312-3332): ARKASRRSRQ[Pro3322Leu]ARHPACMLPP